The following is an entry in ClinVar:

ClinVar aggregate classification (germline): Uncertain significance. Review status: criteria provided, multiple submitters, no conflicts (2 of 4 stars). 7 submissions from 7 submitters: Uncertain significance (5). 2 of the submissions do not count toward it. Last evaluated 2024-12-18.

Conditions:
Retinitis pigmentosa 71 (RP71). Identifiers: Orphanet 791, MedGen C4225342, MONDO:0014618, OMIM 616394.
Short-rib thoracic dysplasia 10 with or without polydactyly (SRTD10). Identifiers: Orphanet 474, MedGen C3810175, MONDO:0014284, OMIM 615630.
Inborn genetic diseases. Identifiers: MedGen C0950123, MeSH D030342.
IFT172-related disorder. Also called: IFT172-related disorders; IFT172-related condition.
Bardet-Biedl syndrome 20. Identifiers: MedGen C4310707, MONDO:0023670, OMIM 619471, MONDO:0014926.
Optic atrophy. Identifiers: MedGen C0029124, MONDO:0003608, HP:0000648.

Allele frequency attached by ClinVar (database versions not stated): gnomAD exomes 0.00004 and 0.00008; ExAC 0.00006; TOPMed 0.00006; gnomAD 0.00007 and 0.00009; ESP Exome Variant Server 0.00015.
gnomAD v4.1: 75 of 1,610,490 alleles (0.0047%); highest among the groups gnomAD compares: Middle Eastern, 0.033%; no homozygotes.

Submissions (7):

Ambry Genetics
Classification: Uncertain significance for Inborn genetic diseases. Last evaluated: 2024-12-18. Review status: criteria provided, single submitter. Criteria: Ambry Variant Classification Scheme 2023. Collection method: clinical testing. Allele origin: germline.

Labcorp Genetics (formerly Invitae), Labcorp
Classification: Uncertain significance for Retinitis pigmentosa 71; Short-rib thoracic dysplasia 10 with or without polydactyly. Last evaluated: 2024-11-18. Review status: criteria provided, single submitter. Criteria: Invitae Variant Classification Sherloc (09022015). Collection method: clinical testing. Allele origin: germline.
Comment: This sequence change replaces isoleucine, which is neutral and non-polar, with valine, which is neutral and non-polar, at codon 83 of the IFT172 protein (p.Ile83Val). This variant is present in population databases (rs142227350, gnomAD 0.02%). This variant has not been reported in the literature in individuals affected with IFT172-related conditions. ClinVar contains an entry for this variant (Variation ID: 649133). Invitae Evidence Modeling of protein sequence and biophysical properties (such as structural, functional, and spatial information, amino acid conservation, physicochemical variation, residue mobility, and thermodynamic stability) indicates that this missense variant is not expected to disrupt IFT172 protein function with a negative predictive value of 95%. In summary, the available evidence is currently insufficient to determine the role of this variant in disease. Therefore, it has been classified as a Variant of Uncertain Significance.

GeneDx
Classification: Uncertain significance. Last evaluated: 2024-07-01. Review status: criteria provided, single submitter. Criteria: GeneDx Variant Classification Process June 2021. Collection method: clinical testing. Allele origin: germline. Affected: yes.
Comment: In silico analysis indicates that this missense variant does not alter protein structure/function; Has not been previously published as pathogenic or benign to our knowledge

Fulgent Genetics
Classification: Uncertain significance for Short-rib thoracic dysplasia 10 with or without polydactyly; Retinitis pigmentosa 71; Bardet-Biedl syndrome 20. Last evaluated: 2024-02-27. Review status: criteria provided, single submitter. Criteria: ACMG Guidelines, 2015. Collection method: clinical testing. Allele origin: germline.

Blueprint Genetics
Classification: Uncertain significance. Last evaluated: 2022-10-19. Review status: criteria provided, single submitter. Criteria: ACMG Guidelines, 2015. Collection method: clinical testing. Allele origin: germline.

PreventionGenetics, part of Exact Sciences
Classification: Uncertain significance for IFT172-related condition. Last evaluated: 2024-03-11. Review status: no assertion criteria provided. Collection method: clinical testing. Allele origin: germline. Not counted in ClinVar's aggregate classification.
Comment: The IFT172 c.247A>G variant is predicted to result in the amino acid substitution p.Ile83Val. To our knowledge, this variant has not been reported in the literature. This variant is reported in 0.023% of alleles in individuals of Latino descent in gnomAD. At this time, the clinical significance of this variant is uncertain due to the absence of conclusive functional and genetic evidence.

Institute of Human Genetics, Univ. Regensburg, Univ. Regensburg
Classification: Uncertain significance for Optic atrophy. Last evaluated: 2022-01-01. Review status: no assertion criteria provided. Criteria: ACMG Guidelines, 2015. Collection method: clinical testing. Allele origin: germline. Affected: yes. Not counted in ClinVar's aggregate classification.

NM_015662.3(IFT172):c.247A>G (p.Ile83Val)

Gene: IFT172 (intraflagellar transport 172; minus strand). Cytogenetic location: 2p23.3.
Variant type: single nucleotide variant.
Coding change: c.247A>G on transcript NM_015662.3 (MANE Select); coding-DNA position 247, A replaced by G.
Protein change: p.Ile83Val; replaces isoleucine 83 with valine.
Molecular consequence: missense variant.
Genome position (GRCh38, 1-based): chr2:27,485,067, T>C on the plus strand (A>G on the coding strand, the complement: IFT172 is on the minus strand). VCF-style: chr2-27485067-T-C. GRCh37 (hg19) VCF-style: chr2-27707934-T-C.
Other names: c.247A>G (NM_015662.1); short protein forms I83V.
Identifiers: ClinVar variation 649133 (VCV000649133.12), dbSNP rs142227350, ClinGen allele CA1581070.